The following is an entry in ClinVar:

ClinVar aggregate classification (germline): Benign (1 of 4 stars; one submission).

Conditions:
Pheochromocytoma/paraganglioma syndrome 5. Also called: Paragangliomas 5; SDHA-Related Hereditary Paraganglioma-Pheochromocytoma Syndrome. Identifiers: Orphanet 29072, MedGen C3279992, MONDO:0013602, OMIM 614165.

gnomAD v4.1: 3 of 1,599,570 alleles (0.00019%); highest among the groups gnomAD compares: Non-Finnish European, 0.00026%; no homozygotes.

Submission:

Myriad Genetics, Inc.
Classification: Benign for Pheochromocytoma/paraganglioma syndrome 5. Last evaluated: 2025-03-11. Review status: criteria provided, single submitter. Criteria: Myriad Autosomal Dominant, Autosomal Recessive and X-Linked Classification Criteria (2023). Collection method: clinical testing. Allele origin: unknown.
Comment: This variant is considered benign. This variant occurs in the non-coding 3' untranslated region of the gene, and is not expected to impact protein function.

NM_004168.4(SDHA):c.*9G>A

Gene: SDHA (succinate dehydrogenase complex flavoprotein subunit A; plus strand). Cytogenetic location: 5p15.33.
Variant type: single nucleotide variant.
Coding change: c.*9G>A on transcript NM_004168.4 (MANE Select); 9 bases downstream of the stop codon, G replaced by A.
Molecular consequence: 3 prime UTR variant.
Genome position (GRCh38, 1-based): chr5:256,429, G>A. VCF-style: chr5-256429-G-A. GRCh37 (hg19) VCF-style: chr5-256544-G-A.
Other names: c.*9G>A (NM_001294332.2, NM_001330758.2).
Identifiers: ClinVar variation 3904365 (VCV003904365.1).